The following is an entry in ClinVar:

NM_000088.4(COL1A1):c.626G>C (p.Gly209Ala)

Gene: COL1A1 (collagen type I alpha 1 chain; minus strand). Cytogenetic location: 17q21.33.
Variant type: single nucleotide variant.
Coding change: c.626G>C on transcript NM_000088.4 (MANE Select); coding-DNA position 626, G replaced by C.
Protein change: p.Gly209Ala; replaces glycine 209 with alanine.
Molecular consequence: missense variant.
Genome position (GRCh38, 1-based): chr17:50,197,965, C>G on the plus strand (G>C on the coding strand, the complement: COL1A1 is on the minus strand). VCF-style: chr17-50197965-C-G. GRCh37 (hg19) VCF-style: chr17-48275326-C-G.
Other names: short protein forms G209A.
Identifiers: ClinVar variation 944135 (VCV000944135.10), dbSNP rs1907746069, ClinGen allele CA400225121.

ClinVar aggregate classification (germline): Likely pathogenic (1 of 4 stars; one submission).

Conditions:
Osteogenesis imperfecta type I (OI1). Also called: Lobstein's Disease; OI, TYPE I; OSTEOGENESIS IMPERFECTA TARDA; OSTEOGENESIS IMPERFECTA WITH BLUE SCLERAE; Lobstein disease; Classic Non-deforming Osteogenesis Imperfecta with Blue Sclerae. Identifiers: Orphanet 216796, Orphanet 666, MedGen C0023931, MONDO:0008146, OMIM 166200. Disease mechanism: loss of function.

Submission:

Labcorp Genetics (formerly Invitae), Labcorp
Classification: Likely pathogenic for Osteogenesis imperfecta type I. Last evaluated: 2019-07-31. Review status: criteria provided, single submitter. Criteria: Invitae Variant Classification Sherloc (09022015). Collection method: clinical testing. Allele origin: germline.
Comment: In summary, the currently available evidence indicates that the variant is pathogenic, but additional data are needed to prove that conclusively. Therefore, this variant has been classified as Likely Pathogenic. Glycine residues within the Gly-Xaa-Yaa repeats of the triple helix domain are required for the structure and stability of fibrillar collagens (PMID: 7695699, 8218237, 19344236). In COL1A1, variants affecting these glycine residues are significantly enriched in individuals with disease (PMID: 9016532, 17078022) compared to the general population (ExAC). This variant has not been reported in the literature in individuals with COL1A1-related conditions. This variant is not present in population databases (ExAC no frequency). This sequence change replaces glycine with alanine at codon 209 of the COL1A1 protein (p.Gly209Ala). The glycine residue is highly conserved and there is a small physicochemical difference between glycine and alanine.

Literature cited by the submitters: PubMed 7695699; PubMed 8218237; PubMed 19344236; PubMed 9016532; PubMed 17078022.